The following is an entry in ClinVar:

ClinVar aggregate classification (germline): Uncertain significance (1 of 4 stars; one submission).

Conditions:
Ataxia-telangiectasia syndrome (AT). Also called: AT, COMPLEMENTATION GROUP C; Cerebello-oculocutaneous telangiectasia; Immunodeficiency with ataxia telangiectasia; Ataxia-telangiectasia, complementation group D; ATAXIA-TELANGIECTASIA, FRESNO VARIANT; Ataxia-telangiectasia, complementation group E. Identifiers: Orphanet 100, MedGen C0004135, MONDO:0008840, OMIM 208900.

Submission:

Labcorp Genetics (formerly Invitae), Labcorp
Classification: Uncertain significance for Ataxia-telangiectasia syndrome. Last evaluated: 2018-04-11. Review status: criteria provided, single submitter. Criteria: Invitae Variant Classification Sherloc (09022015). Collection method: clinical testing. Allele origin: germline.
Comment: This sequence change replaces aspartic acid with alanine at codon 661 of the ATM protein (p.Asp661Ala). The aspartic acid residue is moderately conserved and there is a moderate physicochemical difference between aspartic acid and alanine. This variant is not present in population databases (ExAC no frequency). This variant has been reported in an individual affected with breast cancer (PMID: 28202063). Algorithms developed to predict the effect of missense changes on protein structure and function (SIFT, PolyPhen-2, Align-GVGD) all suggest that this variant is likely to be tolerated, but these predictions have not been confirmed by published functional studies and their clinical significance is uncertain. In summary, the available evidence is currently insufficient to determine the role of this variant in disease. Therefore, it has been classified as a Variant of Uncertain Significance.

Literature cited by the submitters: PubMed 28202063.

NM_000051.4(ATM):c.1982A>C (p.Asp661Ala)

Gene: ATM (ATM serine/threonine kinase; plus strand). Cytogenetic location: 11q22.3.
Variant type: single nucleotide variant.
Coding change: c.1982A>C on transcript NM_000051.4 (MANE Select); coding-DNA position 1982, A replaced by C.
Protein change: p.Asp661Ala; replaces aspartic acid 661 with alanine.
Molecular consequence: missense variant.
Genome position (GRCh38, 1-based): chr11:108,253,897, A>C. VCF-style: chr11-108253897-A-C. GRCh37 (hg19) VCF-style: chr11-108124624-A-C.
Other names: c.1982A>C, p.Asp661Ala (NM_001351834.2); short protein forms D661A.
Identifiers: ClinVar variation 570893 (VCV000570893.8), dbSNP rs1565390124, ClinGen allele CA382536893.